The following is an entry in ClinVar:

NM_000548.5(TSC2):c.3107_3108delinsTT (p.Ser1036Phe)

Gene: TSC2 (TSC complex subunit 2; plus strand). Cytogenetic location: 16p13.3.
Variant type: Indel.
Coding change: c.3107_3108delinsTT on transcript NM_000548.5 (MANE Select); coding-DNA positions 3107 to 3108, CC replaced by TT.
Protein change: p.Ser1036Phe; replaces serine 1036 with phenylalanine.
Molecular consequence: missense variant. On other transcripts: non-coding transcript variant (5).
Genome position (GRCh38, 1-based): chr16:2,079,172-2,079,173, CC replaced by TT. VCF-style: chr16-2079172-CC-TT. GRCh37 (hg19) VCF-style: chr16-2129173-CC-TT.
Other names: c.3107_3108delCCinsTT, p.Ser1036Phe (NM_000548.3); c.2975_2976delinsTT, p.Ser992Phe (NM_001077183.3, NM_001370404.1, NM_001406665.1); c.3107_3108delinsTT, p.Ser1036Phe (NM_001114382.3); c.2867_2868delinsTT, p.Ser956Phe (NM_001318827.2); c.2831_2832delinsTT, p.Ser944Phe (NM_001318829.2); c.2375_2376delinsTT, p.Ser792Phe (NM_001318831.2, NM_001406688.1, NM_001406687.1); c.3008_3009delinsTT, p.Ser1003Phe (NM_001318832.2); c.2978_2979delinsTT, p.Ser993Phe (NM_001363528.2, NM_001370405.1, NM_021055.3); and 19 more; short protein forms S1003F, S1022F, S1023F, S1035F, S1036F, S458F, S544F, S545F.
Identifiers: ClinVar variation 4532402 (VCV004532402.1).
Genomic context (GRCh38, chr16:2,079,172, plus strand): 5'-AAAACCTCCACCTGGAGCTCACGGAAACCTGTCTGGACATGATGGCTCGATACGTCTTCT[CC>TT]AACTTCACGGCTGTCCCGAAGAGGTCCAGGCGGCACTACAGGGCTGGGCGGGCCTGCGGG-3'
Protein context (NP_000539.2, residues 1026-1046): CLDMMARYVF[Ser1036Phe]NFTAVPKRSP

ClinVar aggregate classification (germline): Uncertain significance (1 of 4 stars; one submission).

Submission:

GeneDx
Classification: Uncertain significance. Last evaluated: 2025-05-25. Review status: criteria provided, single submitter. Criteria: GeneDx Variant Classification Process June 2021. Collection method: clinical testing. Allele origin: germline. Affected: yes.
Comment: Not observed at significant frequency in large population cohorts (gnomAD); In silico analysis supports a deleterious effect on protein structure/function; Has not been previously published as pathogenic or benign to our knowledge